The following is an entry in ClinVar:

NC_000001.10:g.(?_235950490)_(235964407_?)dup

Gene: LYST (lysosomal trafficking regulator; minus strand). Cytogenetic location: 1q42.3.
Variant type: Duplication.
Identifiers: ClinVar variation 1067292 (VCV001067292.5).

ClinVar aggregate classification (germline): Likely pathogenic (1 of 4 stars; one submission).

Conditions:
Chédiak-Higashi syndrome (CHS). Also called: Chediak-Higashi Syndrome. Identifiers: Orphanet 167, MedGen C0007965, MONDO:0008963, OMIM 214500.

Submission:

Labcorp Genetics (formerly Invitae), Labcorp
Classification: Likely pathogenic for Chédiak-Higashi syndrome. Last evaluated: 2020-08-15. Review status: criteria provided, single submitter. Criteria: Invitae Variant Classification Sherloc (09022015). Collection method: clinical testing. Allele origin: germline.
Comment: This variant results in a copy number gain of the genomic region encompassing exon(s) 9-14 of the LYST gene. While the exact position of this variant cannot be determined from the data, sub-genic copy number gains are generally in tandem (PMID: 25640679). This variant is predicted to be out-of-frame, and may result in an absent or disrupted protein product. This variant has not been reported in the literature in individuals with LYST-related conditions. Loss-of-function variants in LYST are known to be pathogenic (PMID: 9215679, 11857544). In summary, the currently available evidence indicates that the variant is pathogenic, but additional data are needed to prove that conclusively. Therefore, this variant has been classified as Likely Pathogenic.

Literature cited by the submitters: PubMed 25640679; PubMed 9215679; PubMed 11857544.